The following is an entry in ClinVar:

ClinVar aggregate classification (germline): Uncertain significance (1 of 4 stars; one submission).

Conditions:
Neuropathy, hereditary sensory, type 1F. Also called: HSN IF; Hereditary sensory neuropathy type IF. Identifiers: Orphanet 36386, MedGen C3810194, MONDO:0014286, OMIM 615632.

Submission:

Labcorp Genetics (formerly Invitae), Labcorp
Classification: Uncertain significance for Neuropathy, hereditary sensory, type 1F. Last evaluated: 2022-03-31. Review status: criteria provided, single submitter. Criteria: Invitae Variant Classification Sherloc (09022015). Collection method: clinical testing. Allele origin: germline.
Comment: In summary, the available evidence is currently insufficient to determine the role of this variant in disease. Therefore, it has been classified as a Variant of Uncertain Significance. Algorithms developed to predict the effect of missense changes on protein structure and function (SIFT, PolyPhen-2, Align-GVGD) all suggest that this variant is likely to be disruptive. This variant has not been reported in the literature in individuals affected with ATL3-related conditions. This variant is not present in population databases (gnomAD no frequency). This sequence change replaces glycine, which is neutral and non-polar, with valine, which is neutral and non-polar, at codon 110 of the ATL3 protein (p.Gly110Val).

NM_015459.5(ATL3):c.329G>T (p.Gly110Val)

Genes: ATL3 (atlastin GTPase 3; minus strand), LNCROPM (lncRNA regulator of PLAAT3 mediated phospholipid metabolism; plus strand). Cytogenetic location: 11q13.1.
Variant type: single nucleotide variant.
Coding change: c.329G>T on transcript NM_015459.5 (MANE Select); coding-DNA position 329, G replaced by T.
Protein change: p.Gly110Val; replaces glycine 110 with valine.
Molecular consequence: missense variant.
Genome position (GRCh38, 1-based): chr11:63,658,837, C>A on the plus strand (G>T on the coding strand, the complement: ATL3 is on the minus strand). VCF-style: chr11-63658837-C-A. GRCh37 (hg19) VCF-style: chr11-63426309-C-A.
Other names: c.275G>T, p.Gly92Val (NM_001290048.2); short protein forms G92V, G110V.
Identifiers: ClinVar variation 1910561 (VCV001910561.5), dbSNP rs2495706867, ClinGen allele CA381030212.